The following is an entry in ClinVar:

NM_001378454.1(ALMS1):c.7792G>T (p.Asp2598Tyr)

Gene: ALMS1 (ALMS1 centrosome and basal body associated protein; plus strand). Cytogenetic location: 2p13.1.
Variant type: single nucleotide variant.
Coding change: c.7792G>T on transcript NM_001378454.1 (MANE Select); coding-DNA position 7792, G replaced by T.
Protein change: p.Asp2598Tyr; replaces aspartic acid 2598 with tyrosine.
Molecular consequence: missense variant.
Genome position (GRCh38, 1-based): chr2:73,489,751, G>T. VCF-style: chr2-73489751-G-T. GRCh37 (hg19) VCF-style: chr2-73716878-G-T.
Other names: c.7795G>T, p.Asp2599Tyr (NM_015120.4); short protein forms D2598Y, D2599Y.
Identifiers: ClinVar variation 1760652 (VCV001760652.6), dbSNP rs777914637, ClinGen allele CA1714352.

ClinVar aggregate classification (germline): Uncertain significance. Review status: criteria provided, multiple submitters, no conflicts (2 of 4 stars). 3 submissions from 3 submitters: Uncertain significance (3). Last evaluated 2025-01-17.

Conditions:
Cardiovascular phenotype. Identifiers: MedGen CN230736.
Alstrom syndrome (ALMS). Identifiers: Orphanet 64, MedGen C0268425, MONDO:0008763, OMIM 203800.

Allele frequency attached by ClinVar (database versions not stated): ExAC 0.00002; gnomAD 0.00002; TOPMed 0.00003; gnomAD exomes 0.00004.
gnomAD v4.1: 61 of 1,614,022 alleles (0.0038%); highest among the groups gnomAD compares: Non-Finnish European, 0.005%; no homozygotes.

Submissions (3):

Ambry Genetics
Classification: Uncertain significance for Cardiovascular phenotype. Last evaluated: 2025-01-17. Review status: criteria provided, single submitter. Criteria: Ambry Variant Classification Scheme 2023. Collection method: clinical testing. Allele origin: germline.
Comment: The p.D2599Y variant (also known as c.7795G>T), located in coding exon 10 of the ALMS1 gene, results from a G to T substitution at nucleotide position 7795. The aspartic acid at codon 2599 is replaced by tyrosine, an amino acid with highly dissimilar properties. This amino acid position is well conserved in available vertebrate species. In addition, the in silico prediction for this alteration is inconclusive. Based on the available evidence, the clinical significance of this variant remains unclear.

Blueprint Genetics
Classification: Uncertain significance. Last evaluated: 2024-03-20. Review status: criteria provided, single submitter. Criteria: ACMG Guidelines, 2015. Collection method: clinical testing. Allele origin: germline.

Labcorp Genetics (formerly Invitae), Labcorp
Classification: Uncertain significance for Alstrom syndrome. Last evaluated: 2022-06-20. Review status: criteria provided, single submitter. Criteria: Invitae Variant Classification Sherloc (09022015). Collection method: clinical testing. Allele origin: germline.
Comment: This sequence change replaces aspartic acid, which is acidic and polar, with tyrosine, which is neutral and polar, at codon 2599 of the ALMS1 protein (p.Asp2599Tyr). This variant is present in population databases (rs777914637, gnomAD 0.006%). This variant has not been reported in the literature in individuals affected with ALMS1-related conditions. Experimental studies and prediction algorithms are not available or were not evaluated, and the functional significance of this variant is currently unknown. In summary, the available evidence is currently insufficient to determine the role of this variant in disease. Therefore, it has been classified as a Variant of Uncertain Significance.